The following is an entry in ClinVar:

NM_000059.4(BRCA2):c.694T>C (p.Tyr232His)

Gene: BRCA2 (BRCA2 DNA repair associated; plus strand). Cytogenetic location: 13q13.1.
Variant type: single nucleotide variant.
Coding change: c.694T>C on transcript NM_000059.4 (MANE Select); coding-DNA position 694, T replaced by C.
Protein change: p.Tyr232His; replaces tyrosine 232 with histidine.
Molecular consequence: missense variant.
Genome position (GRCh38, 1-based): chr13:32,330,931, T>C. VCF-style: chr13-32330931-T-C. GRCh37 (hg19) VCF-style: chr13-32905068-T-C.
Other names: p.Y232H:TAT>CAT; p.Tyr232His; 922T>C; short protein forms Y232H.
Identifiers: ClinVar variation 91465 (VCV000091465.32), dbSNP rs398122572, ClinGen allele CA024616.
Genomic context (GRCh38, chr13:32,330,931, plus strand): 5'-TGCATTGAGAGTTTTTATACTAGTGATTTTAAACTATAATTTTTGCAGAATGTGAAAAGC[T>C]ATTTTTCCAATCATGATGAAAGTCTGAAGAAAAATGATAGATTTATCGCTTCTGTGACAG-3'
Protein context (NP_000050.3, residues 222-242): PHDTTANVKS[Tyr232His]FSNHDESLKK

ClinVar aggregate classification (germline): Conflicting classifications of pathogenicity. Review status: criteria provided, conflicting classifications (1 of 4 stars). 12 submissions from 12 submitters: Uncertain significance (9); Likely benign (2). 1 of the submissions does not count toward it. Last evaluated 2025-12-10.

Conditions:
BRCA2-related cancer predisposition. Identifiers: MedGen CN377758, MONDO:0700269.
Hereditary cancer-predisposing syndrome. Also called: Hereditary neoplastic syndrome; Neoplastic Syndromes, Hereditary; Hereditary Cancer Syndrome; Tumor predisposition. Identifiers: Orphanet 140162, MedGen C0027672, MeSH D009386, MONDO:0015356.
Hereditary breast ovarian cancer syndrome. Also called: Hereditary breast and ovarian cancer syndrome (HBOC); Hereditary breast and/or ovarian cancer syndrome; Hereditary breast and ovarian cancer syndrome; Breast and ovarian cancer; BRCA1- and BRCA2-Associated Hereditary Breast and Ovarian Cancer; Hereditary breast and ovarian cancer. Identifiers: Orphanet 145, MedGen C0677776, MeSH D061325, MONDO:0003582. Disease mechanism: loss of function.
Breast-ovarian cancer, familial, susceptibility to, 2 (BROVCA2). Also called: BRCA2 Hereditary Breast and Ovarian Cancer. Identifiers: Orphanet 145, MedGen C2675520, MONDO:0012933, OMIM 612555. Disease mechanism: loss of function.
Familial cancer of breast. Also called: Hereditary breast cancer; BREAST CANCER, FAMILIAL; hereditary breast carcinoma. Identifiers: Orphanet 227535, MedGen C0346153, MONDO:0016419, OMIM 114480. Disease mechanism: loss of function.

Allele frequency attached by ClinVar (database versions not stated): gnomAD exomes below 0.00001 and 0.00001; ExAC 0.00001; gnomAD 0.00001.
gnomAD v4.1: 18 of 1,609,300 alleles (0.0011%); highest among the groups gnomAD compares: Non-Finnish European, 0.0014%; no homozygotes.

Submissions (12):

Labcorp Genetics (formerly Invitae), Labcorp
Classification: Uncertain significance for Hereditary breast ovarian cancer syndrome. Last evaluated: 2025-12-10. Review status: criteria provided, single submitter. Criteria: Invitae Variant Classification Sherloc (09022015). Collection method: clinical testing. Allele origin: germline.
Comment: This sequence change replaces tyrosine, which is neutral and polar, with histidine, which is basic and polar, at codon 232 of the BRCA2 protein (p.Tyr232His). This variant is present in population databases (rs398122572, gnomAD 0.002%). This variant has not been reported in the literature in individuals affected with BRCA2-related conditions. ClinVar contains an entry for this variant (Variation ID: 91465). Invitae Evidence Modeling of protein sequence and biophysical properties (such as structural, functional, and spatial information, amino acid conservation, physicochemical variation, residue mobility, and thermodynamic stability) indicates that this missense variant is not expected to disrupt BRCA2 protein function with a negative predictive value of 95%. In summary, the available evidence is currently insufficient to determine the role of this variant in disease. Therefore, it has been classified as a Variant of Uncertain Significance.

Quest Diagnostics Nichols Institute San Juan Capistrano
Classification: Uncertain significance. Last evaluated: 2025-09-11. Review status: criteria provided, single submitter. Criteria: Quest Diagnostics criteria. Collection method: clinical testing. Allele origin: unknown.
Comment: The BRCA2 c.694T>C (p.Tyr232His) variant has been reported in the published literature in an individual with hereditary breast and/or ovarian cancer (PMID: 39907309 (2025)). The frequency of this variant in the general population (Genome Aggregation Database) is uninformative in the assessment of its pathogenicity. Analysis of this variant using bioinformatics tools for the prediction of the effect of amino acid changes on protein structure and function yielded predictions that this variant is benign. Based on the available information, we are unable to determine the clinical significance of this variant.

Mayo Clinic Laboratories, Mayo Clinic
Classification: Likely benign. Last evaluated: 2025-08-26. Review status: criteria provided, single submitter. Criteria: ACMG Guidelines, 2015. Collection method: clinical testing. Allele origin: germline. Observed: 1 variant allele.
Comment: BP1_strong

Ambry Genetics
Classification: Likely benign for Hereditary cancer-predisposing syndrome. Last evaluated: 2025-04-15. Review status: criteria provided, single submitter. Criteria: Ambry Variant Classification Scheme 2023. Collection method: clinical testing. Allele origin: germline.

Color Diagnostics, LLC DBA Color Health
Classification: Uncertain significance for Hereditary cancer-predisposing syndrome. Last evaluated: 2025-03-04. Review status: criteria provided, single submitter. Criteria: ACMG Guidelines, 2015. Collection method: clinical testing. Allele origin: germline.
Comment: This missense variant replaces tyrosine with histidine at codon 232 of the BRCA2 protein. Computational prediction suggests that this variant may not impact protein structure and function. To our knowledge, functional studies have not been reported for this variant. Multifactoria analyses have reported likelihood ratios for pathogenicity reaching a combined LR = 0.1659 based on co-occurrence with a pathogenic variant and personal and family history of two carriers (PMID: 31131967, 31853058). This variant also has been detected in 1 individual older than age 70 years who has never had cancer (FLOSSIES database). This variant has been identified in 2/281394 chromosomes in the general population by the Genome Aggregation Database (gnomAD). The available evidence is insufficient to determine the role of this variant in disease conclusively. Therefore, this variant is classified as a Variant of Uncertain Significance.

All of Us Research Program, National Institutes of Health
Classification: Uncertain significance for BRCA2-related cancer predisposition. Last evaluated: 2024-08-06. Review status: criteria provided, single submitter. Criteria: ACMG Guidelines, 2015. Collection method: clinical testing. Allele origin: germline. Inheritance: Autosomal dominant inheritance. Observed: 7 variant alleles, 7 heterozygotes.
Comment: This missense variant replaces tyrosine with histidine at codon 232 of the BRCA2 protein. Computational prediction suggests that this variant may not impact protein structure and function (internally defined REVEL score threshold <= 0.5, PMID: 27666373). To our knowledge, functional studies have not been reported for this variant. This variant has been reported in a multifactorial analysis with co-occurrence and family history likelihood ratios for pathogenicity of 1.0498 and 0.8239, respectively (PMID: 31131967). This variant has been identified in 2/281394 chromosomes in the general population by the Genome Aggregation Database (gnomAD). The available evidence is insufficient to determine the role of this variant in disease conclusively. Therefore, this variant is classified as a Variant of Uncertain Significance.

This study involves interpretation of variants in research participants for the purpose of population health screening. Participant phenotype was not available at the time of variant classification. Additional details can be found in publication PMID: 35346344, PMCID: PMC8962531

Baylor Genetics
Classification: Uncertain significance for Familial cancer of breast. Last evaluated: 2023-09-07. Review status: criteria provided, single submitter. Criteria: ACMG Guidelines, 2015. Collection method: clinical testing. Allele origin: unknown.

Women's Health and Genetics/Laboratory Corporation of America, LabCorp
Classification: Uncertain significance. Last evaluated: 2023-04-24. Review status: criteria provided, single submitter. Criteria: LabCorp Variant Classification Summary - May 2015. Collection method: clinical testing. Allele origin: germline.
Comment: Variant summary: BRCA2 c.694T>C (p.Tyr232His) results in a conservative amino acid change in the encoded protein sequence. Five of five in-silico tools predict a benign effect of the variant on protein function. The variant allele was found at a frequency of 4e-06 in 250018 control chromosomes (gnomAD). The available data on variant occurrences in the general population are insufficient to allow any conclusion about variant significance. To our knowledge, no occurrence of c.694T>C in individuals affected with Hereditary Breast And Ovarian Cancer Syndrome and no experimental evidence demonstrating its impact on protein function have been reported. Five clinical diagnostic laboratories have submitted clinical-significance assessments for this variant to ClinVar after 2014 and all classified the variant as uncertain significance. Based on the evidence outlined above, the variant was classified as uncertain significance.

GeneDx
Classification: Uncertain significance. Last evaluated: 2022-09-29. Review status: criteria provided, single submitter. Criteria: GeneDx Variant Classification Process June 2021. Collection method: clinical testing. Allele origin: germline. Affected: yes.
Comment: Identified in individuals referred for multi-gene panel testing with personal or family history of cancer (Li et al., 2020); Not observed at significant frequency in large population cohorts (gnomAD); In silico analysis supports that this missense variant does not alter protein structure/function; Also known as 922T>C; This variant is associated with the following publications: (PMID: 31131967, 32377563, 29884841, 27535533, 31853058)

Blueprint Genetics
Classification: Uncertain significance. Last evaluated: 2021-05-25. Review status: criteria provided, single submitter. Criteria: ACMG Guidelines, 2015. Collection method: clinical testing. Allele origin: germline.

Molecular Genetics Laboratory, University of Michigan
Classification: Uncertain significance for Breast-ovarian cancer, familial, susceptibility to, 2. Last evaluated: 2016-04-21. Review status: criteria provided, single submitter. Criteria: ACMG Guidelines, 2015. Collection method: clinical testing. Allele origin: germline. Affected: yes.

Sharing Clinical Reports Project (SCRP)
Classification: Uncertain significance for Breast-ovarian cancer, familial 2. Last evaluated: 2006-01-06. Review status: no assertion criteria provided. Collection method: clinical testing. Allele origin: germline. Not counted in ClinVar's aggregate classification.

Literature cited by the submitters: PubMed 31131967 (cited by 3 submitters); PubMed 39907309 (cited by Quest Diagnostics Nichols Institute San Juan Capistrano); PubMed 31853058 (cited by Color Diagnostics, LLC DBA Color Health).